The following is an entry in ClinVar:

ClinVar aggregate classification (germline): Likely benign. Review status: criteria provided, single submitter (1 of 4 stars). 2 submissions from 2 submitters: Likely benign (1). 1 of the submissions does not count toward it. Last evaluated 2021-05-06.

Conditions:
Rubinstein-Taybi syndrome due to CREBBP mutations (RSTS1). Also called: RUBINSTEIN SYNDROME; BROAD THUMB-HALLUX SYNDROME; CREBBP-Related Rubinstein-Taybi Syndrome; BROAD THUMBS AND GREAT TOES, CHARACTERISTIC FACIES, AND IMPAIRED INTELLECTUAL DEVELOPMENT; Rubinstein-Taybi syndrome 1; RUBINSTEIN-TAYBI SYNDROME 1, INCOMPLETE. Identifiers: Orphanet 353277, Orphanet 783, MedGen C4551859, MONDO:0008393, OMIM 180849.

Allele frequency attached by ClinVar (database versions not stated): TOPMed below 0.00001; gnomAD 0.00001; gnomAD exomes 0.00001.
gnomAD v4.1: 15 of 1,613,906 alleles (0.00093%); highest among the groups gnomAD compares: Non-Finnish European, 0.0013%; no homozygotes.

Submissions (2):

Victorian Clinical Genetics Services, Murdoch Childrens Research Institute
Classification: Likely benign for Rubinstein-Taybi syndrome due to CREBBP mutations. Last evaluated: 2021-05-06. Review status: criteria provided, single submitter. Criteria: ACMG Guidelines, 2015. Collection method: clinical testing. Allele origin: germline. Inheritance: Autosomal dominant inheritance. Affected: yes.
Comment: Based on the classification scheme VCGS_Germline_v1.3.4, this variant is classified as Likely Benign. Following criteria are met: 0102 - Loss of function is a known mechanism of disease in this gene and is associated with Menke-Hennekam syndrome 1 (MIM#618332) and Rubinstein-Taybi syndrome 1 (MIM#180849). (I) 0107 - This gene is associated with autosomal dominant disease. (I) 0200 - Variant is predicted to result in a missense amino acid change from proline to alanine (I) 0251 - This variant is heterozygous. (I) 0302 - Variant is present in gnomAD <0.001 for a dominant condition (v3: 1 heterozygote, 0 homozygotes). (SP) 0502 - Missense variant with conflicting in silico predictions and uninformative conservation. (I) 0604 - Variant is not located in an established domain, motif, hotspot or informative constraint region. (I) 0705 - No comparable missense variants have previous evidence for pathogenicity. (I) 0807 - This variant has no previous evidence of pathogenicity. (I) 0904 - Non-segregation of this variant with the phenotype under investigation has been clearly demonstrated. (SB) 1007 - No published functional evidence has been identified for this variant. (I) Legend: (SP) - Supporting pathogenic, (I) - Information, (SB) - Supporting benign

Department of Pathology and Laboratory Medicine, Sinai Health System
Classification: Uncertain significance. Review status: no assertion criteria provided. Collection method: clinical testing. Allele origin: unknown. Affected: yes. Study: The Canadian Open Genetics Repository (COGR). Not counted in ClinVar's aggregate classification.
Comment: The CREBBP p.Pro543Ala variant was not identified in the literature nor was it identified in ClinVar, Cosmic or LOVD 3.0. The variant was identified in dbSNP (ID: rs947001316) but was not identified in the following control databases: the 1000 Genomes Project, the NHLBI GO Exome Sequencing Project, the Exome Aggregation Consortium (August 8th 2016), or the Genome Aggregation Database (Feb 27, 2017). The p.Pro543 residue is not conserved in mammals and computational analyses (PolyPhen-2, SIFT, AlignGVGD, BLOSUM, MutationTaster) provide inconsistent predictions regarding the impact to the protein; this information is not very predictive of pathogenicity. The variant occurs outside of the splicing consensus sequence and in silico or computational prediction software programs (SpliceSiteFinder, MaxEntScan, NNSPLICE, GeneSplicer) do not predict a difference in splicing. In summary, based on the above information the clinical significance of this variant cannot be determined with certainty at this time. This variant is classified as a variant of uncertain significance.

NM_004380.3(CREBBP):c.1627C>G (p.Pro543Ala)

Gene: CREBBP (CREB binding lysine acetyltransferase; minus strand). Cytogenetic location: 16p13.3.
Variant type: single nucleotide variant.
Coding change: c.1627C>G on transcript NM_004380.3 (MANE Select); coding-DNA position 1627, C replaced by G.
Protein change: p.Pro543Ala; replaces proline 543 with alanine.
Molecular consequence: missense variant.
Genome position (GRCh38, 1-based): chr16:3,781,253, G>C on the plus strand (C>G on the coding strand, the complement: CREBBP is on the minus strand). VCF-style: chr16-3781253-G-C. GRCh37 (hg19) VCF-style: chr16-3831254-G-C.
Other names: c.1513C>G, p.Pro505Ala (NM_001079846.1); short protein forms P505A, P543A.
Identifiers: ClinVar variation 1049387 (VCV001049387.2), dbSNP rs947001316, ClinGen allele CA276976042.